The following is an entry in ClinVar:

NM_001486.4(GCKR):c.1225A>G (p.Ile409Val)

Gene: GCKR (glucokinase regulator; plus strand). Cytogenetic location: 2p23.3.
Variant type: single nucleotide variant.
Coding change: c.1225A>G on transcript NM_001486.4 (MANE Select); coding-DNA position 1225, A replaced by G.
Protein change: p.Ile409Val; replaces isoleucine 409 with valine.
Molecular consequence: missense variant.
Genome position (GRCh38, 1-based): chr2:27,507,762, A>G. VCF-style: chr2-27507762-A-G. GRCh37 (hg19) VCF-style: chr2-27730629-A-G.
Other names: short protein forms I409V.
Identifiers: ClinVar variation 2102234 (VCV002102234.4), dbSNP rs2466119479, ClinGen allele CA346418946.
Genomic context (GRCh38, chr2:27,507,762, plus strand): 5'-CAGGAGGACTTCCTGACTTCCATCCTTCCCTCTCTCACGGAAATCGATACTGTGGTCTTC[A>G]TTTTCACCCTGGATGGTGAGAGGGAAGATGGGAGTGGTGAGGGGTGGGGAGGGGGAAATA-3'
Protein context (NP_001477.2, residues 399-419): SLTEIDTVVF[Ile409Val]FTLDDNLTEV

ClinVar aggregate classification (germline): Uncertain significance (1 of 4 stars; one submission).

Allele frequency attached by ClinVar (database versions not stated): gnomAD exomes 0.00001.

Submission:

Labcorp Genetics (formerly Invitae), Labcorp
Classification: Uncertain significance. Last evaluated: 2022-02-22. Review status: criteria provided, single submitter. Criteria: Invitae Variant Classification Sherloc (09022015). Collection method: clinical testing. Allele origin: germline.
Comment: This sequence change replaces isoleucine, which is neutral and non-polar, with valine, which is neutral and non-polar, at codon 409 of the GCKR protein (p.Ile409Val). This variant is not present in population databases (gnomAD no frequency). This variant has not been reported in the literature in individuals affected with GCKR-related conditions. Algorithms developed to predict the effect of missense changes on protein structure and function output the following: SIFT: "Tolerated"; PolyPhen-2: "Benign"; Align-GVGD: "Class C0". The valine amino acid residue is found in multiple mammalian species, which suggests that this missense change does not adversely affect protein function. In summary, the available evidence is currently insufficient to determine the role of this variant in disease. Therefore, it has been classified as a Variant of Uncertain Significance.